The following is an entry in ClinVar:

ClinVar aggregate classification (germline): Uncertain significance (1 of 4 stars; one submission).

Conditions:
Familial adenomatous polyposis 1 (FAP1). Also called: FAMILIAL ADENOMATOUS POLYPOSIS 1, ATTENUATED; POLYPOSIS, ADENOMATOUS INTESTINAL. Identifiers: MedGen C2713442, MONDO:0021056, OMIM 175100. Disease mechanism: loss of function.

Submission:

Labcorp Genetics (formerly Invitae), Labcorp
Classification: Uncertain significance for Familial adenomatous polyposis 1. Last evaluated: 2023-09-10. Review status: criteria provided, single submitter. Criteria: Invitae Variant Classification Sherloc (09022015). Collection method: clinical testing. Allele origin: germline.
Comment: In summary, the available evidence is currently insufficient to determine the role of this variant in disease. Therefore, it has been classified as a Variant of Uncertain Significance. Advanced modeling of protein sequence and biophysical properties (such as structural, functional, and spatial information, amino acid conservation, physicochemical variation, residue mobility, and thermodynamic stability) performed at Invitae indicates that this missense variant is not expected to disrupt APC protein function. ClinVar contains an entry for this variant (Variation ID: 654819). This variant has not been reported in the literature in individuals affected with APC-related conditions. This variant is not present in population databases (gnomAD no frequency). This sequence change replaces methionine, which is neutral and non-polar, with lysine, which is basic and polar, at codon 271 of the APC protein (p.Met271Lys).

NM_000038.6(APC):c.812T>A (p.Met271Lys)

Gene: APC (APC regulator of Wnt signaling pathway; plus strand). Cytogenetic location: 5q22.2.
Variant type: single nucleotide variant.
Coding change: c.812T>A on transcript NM_000038.6 (MANE Select); coding-DNA position 812, T replaced by A.
Protein change: p.Met271Lys; replaces methionine 271 with lysine.
Molecular consequence: missense variant. On other transcripts: 5 prime UTR variant (1).
Genome position (GRCh38, 1-based): chr5:112,801,361, T>A. VCF-style: chr5-112801361-T-A. GRCh37 (hg19) VCF-style: chr5-112137058-T-A.
Other names: c.812T>A, p.Met271Lys (NM_001127510.3, NM_001354895.2, NM_001354896.2 and 1 more transcripts); c.758T>A, p.Met253Lys (NM_001127511.3); c.842T>A, p.Met281Lys (NM_001354897.2, NM_001354902.2); c.737T>A, p.Met246Lys (NM_001354898.2, NM_001354904.2); c.728T>A, p.Met243Lys (NM_001354899.2); c.635T>A, p.Met212Lys (NM_001354900.2, NM_001354901.2, NM_001354905.2); c.-224T>A (NM_001354906.2); short protein forms M243K, M212K, M271K, M246K, M253K, M281K.
Identifiers: ClinVar variation 654819 (VCV000654819.10), dbSNP rs1580455397, ClinGen allele CA16023104.
Genomic context (GRCh38, chr5:112,801,361, plus strand): 5'-AAACCGGCTCACATGATGCTGAGCGGCAGAATGAAGGTCAAGGAGTGGGAGAAATCAACA[T>A]GGCAACTTCTGGTAATGGTCAGGTAAATAAATTATTTTATCATATTTTTTAAAATTATTT-3'
Protein context (NP_000029.2, residues 261-281): NEGQGVGEIN[Met271Lys]ATSGNGQGST